The following is an entry in ClinVar:

ClinVar aggregate classification (germline): Uncertain significance (1 of 4 stars; one submission).

Conditions:
Hereditary spastic paraplegia 11. Also called: Nakamura Osame syndrome; Autosomal recessive hereditary spastic paraplegia, mental impairment, and thin corpus callosum; SPASTIC PARAPLEGIA, AUTOSOMAL RECESSIVE, COMPLICATED, WITH THIN CORPUS CALLOSUM; SPASTIC PARAPLEGIA, AUTOSOMAL RECESSIVE, WITH MENTAL IMPAIRMENT AND THIN CORPUS CALLOSUM; Spastic Paraplegia 11; Spastic paraplegia, mental retardation and thin corpus callosum. Identifiers: Orphanet 2822, MedGen C1858479, MONDO:0011445, OMIM 604360.

Allele frequency attached by ClinVar (database versions not stated): gnomAD exomes below 0.00001.
gnomAD v4.1: 1 of 1,598,950 alleles (0.000063%); highest among the groups gnomAD compares: Admixed American, 0.0017%; no homozygotes.

Submission:

Labcorp Genetics (formerly Invitae), Labcorp
Classification: Uncertain significance for Hereditary spastic paraplegia 11. Last evaluated: 2022-01-13. Review status: criteria provided, single submitter. Criteria: Invitae Variant Classification Sherloc (09022015). Collection method: clinical testing. Allele origin: germline.
Comment: This sequence change replaces glycine, which is neutral and non-polar, with arginine, which is basic and polar, at codon 39 of the SPG11 protein (p.Gly39Arg). This variant is not present in population databases (gnomAD no frequency). This variant has not been reported in the literature in individuals affected with SPG11-related conditions. Algorithms developed to predict the effect of missense changes on protein structure and function output the following: SIFT: "Tolerated"; PolyPhen-2: "Benign"; Align-GVGD: "Class C0". The arginine amino acid residue is found in multiple mammalian species, which suggests that this missense change does not adversely affect protein function. In summary, the available evidence is currently insufficient to determine the role of this variant in disease. Therefore, it has been classified as a Variant of Uncertain Significance.

NM_025137.4(SPG11):c.115G>A (p.Gly39Arg)

Gene: SPG11 (SPG11 vesicle trafficking associated, spatacsin; minus strand). Cytogenetic location: 15q21.1.
Variant type: single nucleotide variant.
Coding change: c.115G>A on transcript NM_025137.4 (MANE Select); coding-DNA position 115, G replaced by A.
Protein change: p.Gly39Arg; replaces glycine 39 with arginine.
Molecular consequence: missense variant.
Genome position (GRCh38, 1-based): chr15:44,663,533, C>T on the plus strand (G>A on the coding strand, the complement: SPG11 is on the minus strand). VCF-style: chr15-44663533-C-T. GRCh37 (hg19) VCF-style: chr15-44955731-C-T.
Other names: c.115G>A, p.Gly39Arg (NM_001160227.2, NM_001411132.1); short protein forms G39R.
Identifiers: ClinVar variation 1934364 (VCV001934364.2), dbSNP rs929670187, ClinGen allele CA270113854.